The following is an entry in ClinVar:

ClinVar aggregate classification (germline): Pathogenic (1 of 4 stars; one submission).

Conditions:
Distal myopathy with posterior leg and anterior hand involvement. Also called: WILLIAMS DISTAL MYOPATHY. Identifiers: Orphanet 63273, MedGen C3279722, MONDO:0013550, OMIM 614065.
Myofibrillar myopathy 5. Also called: Filaminopathy (type); FILAMINOPATHY, AUTOSOMAL DOMINANT. Identifiers: Orphanet 171445, MedGen C1836050, MONDO:0012289, OMIM 609524.
Hypertrophic cardiomyopathy 26. Also called: Cardiomyopathy, familial hypertrophic, 26. Identifiers: Orphanet 75249, MedGen C4310749, MONDO:0014883, OMIM 617047.

Submission:

Labcorp Genetics (formerly Invitae), Labcorp
Classification: Pathogenic for Distal myopathy with posterior leg and anterior hand involvement; Myofibrillar myopathy 5; Hypertrophic cardiomyopathy 26. Last evaluated: 2022-02-25. Review status: criteria provided, single submitter. Criteria: Invitae Variant Classification Sherloc (09022015). Collection method: clinical testing. Allele origin: germline.
Comment: For these reasons, this variant has been classified as Pathogenic. This variant has not been reported in the literature in individuals affected with FLNC-related conditions. This variant is not present in population databases (gnomAD no frequency). This sequence change creates a premature translational stop signal (p.Leu1974Glufs*63) in the FLNC gene. It is expected to result in an absent or disrupted protein product. Loss-of-function variants in FLNC are known to be pathogenic (PMID: 27908349).

Literature cited by the submitters: PubMed 27908349.

NM_001458.5(FLNC):c.5920_5921del (p.Leu1974fs)

Genes: FLNC (filamin C; plus strand), FLNC-AS1 (FLNC antisense RNA 1; minus strand). Cytogenetic location: 7q32.1.
Variant type: Deletion.
Coding change: c.5920_5921del on transcript NM_001458.5 (MANE Select); coding-DNA positions 5920 to 5921, 2 bases deleted (CT; older notation c.5920_5921delCT).
Protein change: p.Leu1974fs; shifts the reading frame from leucine 1974.
Molecular consequence: frameshift variant.
Genome position (GRCh38, 1-based): chr7:128,852,668-128,852,669, CT deleted; deleting any 2 consecutive bases within chr7:128,852,667-128,852,669 gives the same sequence; the c. name uses the placement nearest the transcript's 3' end. VCF-style (leftmost placement, unchanged base first): chr7-128852666-ATC-A. GRCh37 (hg19) VCF-style: chr7-128492720-ATC-A.
Other names: c.5821_5822del, p.Leu1941fs (NM_001127487.2); short protein forms L1941fs, L1974fs.
Identifiers: ClinVar variation 2103216 (VCV002103216.4), dbSNP rs2536659308, ClinGen allele CA2580076662.